The following is an entry in ClinVar:

ClinVar aggregate classification (germline): Uncertain significance (1 of 4 stars; one submission).

Conditions:
Bifunctional peroxisomal enzyme deficiency (DBIF). Also called: DBP DEFICIENCY; D-bifunctional protein deficiency; PBFE DEFICIENCY. Identifiers: Orphanet 300, MedGen C0342870, MONDO:0009855, OMIM 261515. Disease mechanism: loss of function.

Submission:

Neuberg Centre For Genomic Medicine, NCGM
Classification: Uncertain significance for Bifunctional peroxisomal enzyme deficiency. Review status: criteria provided, single submitter. Criteria: ACMG Guidelines, 2015. Collection method: clinical testing. Allele origin: germline. Inheritance: Autosomal recessive inheritance. Affected: yes.
Comment: The missense c.1523G>T (p.Ser508Ile) variant in HSD17B4 gene has not been reported previously as a pathogenic variant nor as a benign variant, to our knowledge. The p.Ser508Ile variant is absent in gnomAD Exomes. This variant has not been submitted to the ClinVar database. Multiple lines of computational evidence (Polyphen - Probably Damaging, SIFT - Damaging and MutationTaster - Disease causing) predict a damaging effect on protein structure and function for this variant. The reference amino acid at this position in HSD17B4 is predicted as conserved by GERP++ and PhyloP across 100 vertebrates. The amino acid Ser at position 508 is changed to a Ile changing protein sequence and it might alter its composition and physico-chemical properties. For these reasons, this variant has been classified as a Variant of Uncertain Significance (VUS).

NM_000414.4(HSD17B4):c.1523G>T (p.Ser508Ile)

Gene: HSD17B4 (hydroxysteroid 17-beta dehydrogenase 4; plus strand). Cytogenetic location: 5q23.1.
Variant type: single nucleotide variant.
Coding change: c.1523G>T on transcript NM_000414.4 (MANE Select); coding-DNA position 1523, G replaced by T.
Protein change: p.Ser508Ile; replaces serine 508 with isoleucine.
Molecular consequence: missense variant. On other transcripts: non-coding transcript variant (2).
Genome position (GRCh38, 1-based): chr5:119,525,235, G>T. VCF-style: chr5-119525235-G-T. GRCh37 (hg19) VCF-style: chr5-118860930-G-T.
Other names: c.1598G>T, p.Ser533Ile (NM_001199291.3); c.1469G>T, p.Ser490Ile (NM_001199292.2); c.1451G>T, p.Ser484Ile (NM_001292027.2, NM_001374498.1); c.1103G>T, p.Ser368Ile (NM_001292028.2); c.1514G>T, p.Ser505Ile (NM_001374497.1); c.1196G>T, p.Ser399Ile (NM_001374499.1); c.1082G>T, p.Ser361Ile (NM_001374500.1); c.1112G>T, p.Ser371Ile (NM_001374501.1, NM_001374502.1, NM_001374503.1); short protein forms S361I, S368I, S371I, S399I, S484I, S490I, S505I, S508I.
Identifiers: ClinVar variation 3731535 (VCV003731535.1).
Genomic context (GRCh38, chr5:119,525,235, plus strand): 5'-CAAAACACTGAGTTCTAGTTATGTTTATGCTTTCTCCACAGGCTGCTTTGTACCGCCTCA[G>T]TGGAGACTGGAATCCCTTACACATTGATCCTAACTTTGCTAGTCTAGCAGGTGAGTTGTC-3'
Protein context (NP_000405.1, residues 498-518): SLNQAALYRL[Ser508Ile]GDWNPLHIDP